The following is an entry in ClinVar:

ClinVar aggregate classification (germline): Likely benign. Review status: criteria provided, multiple submitters, no conflicts (2 of 4 stars). 2 submissions from 2 submitters: Likely benign (2). Last evaluated 2026-08-28.

Conditions:
TUB-related disorder. Also called: TUB-related condition.

gnomAD v4.1: 13 of 1,613,138 alleles (0.00081%); highest among the groups gnomAD compares: East Asian, 0.0022%; no homozygotes.

Submissions (2):

PreventionGenetics, part of Exact Sciences
Classification: Likely benign for TUB-related condition. Last evaluated: 2026-08-28. Review status: criteria provided, single submitter. Criteria: ACMG Guidelines, 2015. Collection method: clinical testing. Allele origin: germline.
Comment: This variant is classified as likely benign based on ACMG/AMP sequence variant interpretation guidelines (Richards et al. 2015 PMID: 25741868, with internal and published modifications).

Blueprint Genetics
Classification: Likely benign. Last evaluated: 2024-10-31. Review status: criteria provided, single submitter. Criteria: ACMG Guidelines, 2015. Collection method: clinical testing. Allele origin: germline.

NM_177972.3(TUB):c.1216-10G>A

Genes: RIC3 (RIC3 acetylcholine receptor chaperone; minus strand), TUB (TUB bipartite transcription factor; plus strand). Cytogenetic location: 11p15.4.
Variant type: single nucleotide variant.
Coding change: c.1216-10G>A on transcript NM_177972.3 (MANE Select); 10 bases into the intron before coding-DNA position 1216, G replaced by A.
Molecular consequence: intron variant.
Genome position (GRCh38, 1-based): chr11:8,100,816, G>A. VCF-style: chr11-8100816-G-A. GRCh37 (hg19) VCF-style: chr11-8122363-G-A.
Other names: c.1234-10G>A (NM_001440538.1, NM_001440539.1); c.1066-10G>A (NM_001440540.1, NM_001440542.1); c.1381-10G>A (NM_003320.5, NM_003320.4); c.1048-10G>A (NM_001440541.1).
Identifiers: ClinVar variation 4910581 (VCV004910581.2).